The following is an entry in ClinVar:

ClinVar aggregate classification (germline): Uncertain significance. Review status: criteria provided, multiple submitters, no conflicts (2 of 4 stars). 2 submissions from 2 submitters: Uncertain significance (2). Last evaluated 2022-08-09.

Conditions:
Severe combined immunodeficiency due to DNA-PKcs deficiency. Also called: IMMUNODEFICIENCY 26 WITH NEUROLOGIC ABNORMALITIES; Immunodeficiency 26 with or without neurologic abnormalities. Identifiers: Orphanet 317425, MedGen C4014833, MONDO:0014423, OMIM 615966.

Allele frequency attached by ClinVar (database versions not stated): gnomAD exomes below 0.00001 and 0.00001; ExAC 0.00001; gnomAD 0.00001; TOPMed 0.00001.
gnomAD v4.1: 16 of 1,613,838 alleles (0.00099%); highest among the groups gnomAD compares: Admixed American, 0.0033%; no homozygotes.

Submissions (2):

Labcorp Genetics (formerly Invitae), Labcorp
Classification: Uncertain significance for Severe combined immunodeficiency due to DNA-PKcs deficiency. Last evaluated: 2022-08-09. Review status: criteria provided, single submitter. Criteria: Invitae Variant Classification Sherloc (09022015). Collection method: clinical testing. Allele origin: germline.
Comment: This sequence change replaces isoleucine, which is neutral and non-polar, with valine, which is neutral and non-polar, at codon 2193 of the PRKDC protein (p.Ile2193Val). This variant is present in population databases (rs759652590, gnomAD 0.0009%). This variant has not been reported in the literature in individuals affected with PRKDC-related conditions. ClinVar contains an entry for this variant (Variation ID: 1056766). Experimental studies and prediction algorithms are not available or were not evaluated, and the functional significance of this variant is currently unknown. In summary, the available evidence is currently insufficient to determine the role of this variant in disease. Therefore, it has been classified as a Variant of Uncertain Significance.

Breakthrough Genomics
Classification: Uncertain significance. Review status: criteria provided, single submitter. Criteria: ACMG Guidelines, 2015. Collection method: not provided. Allele origin: germline. Inheritance: Autosomal recessive inheritance. Affected: yes.

NM_006904.7(PRKDC):c.6577A>G (p.Ile2193Val)

Gene: PRKDC (protein kinase, DNA-activated, catalytic subunit; minus strand). Cytogenetic location: 8q11.21.
Variant type: single nucleotide variant.
Coding change: c.6577A>G on transcript NM_006904.7 (MANE Select); coding-DNA position 6577, A replaced by G.
Protein change: p.Ile2193Val; replaces isoleucine 2193 with valine.
Molecular consequence: missense variant.
Genome position (GRCh38, 1-based): chr8:47,857,188, T>C on the plus strand (A>G on the coding strand, the complement: PRKDC is on the minus strand). VCF-style: chr8-47857188-T-C. GRCh37 (hg19) VCF-style: chr8-48769749-T-C.
Other names: c.6577A>G, p.Ile2193Val (NM_001081640.2); short protein forms I2193V.
Identifiers: ClinVar variation 1056766 (VCV001056766.7), dbSNP rs759652590, ClinGen allele CA4740317.
Genomic context (GRCh38, chr8:47,857,188, plus strand): 5'-TTAACATAAAAGATGCATCAATCCTTACTGTTGGAGTGGCCAAGCCTGTCCATGAAAGAA[T>C]AGTGGCCACTATCTCAACCACCATGTAGTGAATTCCTTCTCCTCCATTGTTTTCAGAAGC-3'
Protein context (NP_008835.5, residues 2183-2203): HYMVVEIVAT[Ile2193Val]LSWTGLATPT